The following is an entry in ClinVar:

NC_000023.10:g.(?_31366653)_(31366771_?)dup

Gene: DMD (dystrophin; minus strand). Cytogenetic location: Xp21.2.
Variant type: Duplication.
Identifiers: ClinVar variation 1458307 (VCV001458307.7).

ClinVar aggregate classification (germline): Pathogenic (1 of 4 stars; one submission).

Conditions:
Duchenne muscular dystrophy (DMD). Also called: Duchenne Muscular Dystrophy (DMD); MUSCULAR DYSTROPHY, PSEUDOHYPERTROPHIC PROGRESSIVE, DUCHENNE TYPE. Identifiers: Orphanet 98896, MedGen C0013264, MONDO:0010679, OMIM 310200.

Submission:

Labcorp Genetics (formerly Invitae), Labcorp
Classification: Pathogenic for Duchenne muscular dystrophy. Last evaluated: 2023-11-22. Review status: criteria provided, single submitter. Criteria: Invitae Variant Classification Sherloc (09022015). Collection method: clinical testing. Allele origin: germline.
Comment: This variant results in a copy number gain of the genomic region encompassing exon(s) 61 of the DMD gene. While the exact position of this variant cannot be determined from the data, sub-genic copy number gains are generally in tandem (PMID: 25640679). This variant is predicted to be out-of-frame, and may result in an absent or disrupted protein product. Loss-of-function variants in DMD are known to be pathogenic (PMID: 16770791, 25007885). A similar copy number variant has been observed in individuals with Duchenne muscular dystrophy (PMID: 15723292, 16917894; Invitae). For these reasons, this variant has been classified as Pathogenic.

Literature cited by the submitters: PubMed 25640679; PubMed 16770791; PubMed 25007885; PubMed 15723292; PubMed 16917894.